The following is an entry in ClinVar:

ClinVar aggregate classification (germline): Uncertain significance. Review status: criteria provided, multiple submitters, no conflicts (2 of 4 stars). 2 submissions from 2 submitters: Uncertain significance (2). Last evaluated 2024-03-18.

Conditions:
ROBO3-related disorder. Also called: ROBO3-related condition.

Submissions (2):

Blueprint Genetics
Classification: Uncertain significance. Last evaluated: 2024-03-18. Review status: criteria provided, single submitter. Criteria: ACMG Guidelines, 2015. Collection method: clinical testing. Allele origin: germline.

PreventionGenetics, part of Exact Sciences
Classification: Uncertain significance for ROBO3-related condition. Last evaluated: 2022-10-04. Review status: criteria provided, single submitter. Criteria: ACMG Guidelines, 2015. Collection method: clinical testing. Allele origin: germline.
Comment: The ROBO3 c.449G>A variant is predicted to result in the amino acid substitution p.Gly150Glu. To our knowledge, this variant has not been reported in the literature or in a large population database, indicating this variant is rare. At this time, the clinical significance of this variant is uncertain due to the absence of conclusive functional and genetic evidence.

NM_022370.4(ROBO3):c.449G>A (p.Gly150Glu)

Gene: ROBO3 (roundabout guidance receptor 3; plus strand). Cytogenetic location: 11q24.2.
Variant type: single nucleotide variant.
Coding change: c.449G>A on transcript NM_022370.4 (MANE Select); coding-DNA position 449, G replaced by A.
Protein change: p.Gly150Glu; replaces glycine 150 with glutamic acid.
Molecular consequence: missense variant.
Genome position (GRCh38, 1-based): chr11:124,869,090, G>A. VCF-style: chr11-124869090-G-A. GRCh37 (hg19) VCF-style: chr11-124738986-G-A.
Other names: short protein forms G150E.
Identifiers: ClinVar variation 2637325 (VCV002637325.2), dbSNP rs2135324853, ClinGen allele CA383135426.